The following is an entry in ClinVar:

ClinVar aggregate classification (germline): Uncertain significance. Review status: criteria provided, multiple submitters, no conflicts (2 of 4 stars). 2 submissions from 2 submitters: Uncertain significance (2). Last evaluated 2024-12-31.

Conditions:
HARS1-related disorder. Also called: HARS1-related condition.
Usher syndrome type 3B. Also called: USHER SYNDROME, TYPE IIIB. Identifiers: MedGen C3281066, MONDO:0013788, OMIM 614504.

Allele frequency attached by ClinVar (database versions not stated): gnomAD exomes below 0.00001 and 0.00001; ExAC 0.00001; TOPMed 0.00001.
gnomAD v4.1: 3 of 1,593,928 alleles (0.00019%); highest among the groups gnomAD compares: Admixed American, 0.005%; no homozygotes.

Submissions (2):

PreventionGenetics, part of Exact Sciences
Classification: Uncertain significance for HARS1-related condition. Last evaluated: 2024-12-31. Review status: criteria provided, single submitter. Criteria: ACMG Guidelines, 2015. Collection method: clinical testing. Allele origin: germline.
Comment: The HARS1 c.532A>G variant is predicted to result in the amino acid substitution p.Ile178Val. To our knowledge, this variant has not been reported in the literature. This variant is reported in 0.0087% of alleles in individuals of Latino descent in gnomAD. At this time, the clinical significance of this variant is uncertain due to the absence of conclusive functional and genetic evidence.

Labcorp Genetics (formerly Invitae), Labcorp
Classification: Uncertain significance for Usher syndrome type 3B. Last evaluated: 2023-12-11. Review status: criteria provided, single submitter. Criteria: Invitae Variant Classification Sherloc (09022015). Collection method: clinical testing. Allele origin: germline.
Comment: This sequence change replaces isoleucine, which is neutral and non-polar, with valine, which is neutral and non-polar, at codon 178 of the HARS protein (p.Ile178Val). This variant is present in population databases (rs774329929, gnomAD 0.009%). This variant has not been reported in the literature in individuals affected with HARS-related conditions. ClinVar contains an entry for this variant (Variation ID: 1054162). Advanced modeling of protein sequence and biophysical properties (such as structural, functional, and spatial information, amino acid conservation, physicochemical variation, residue mobility, and thermodynamic stability) performed at Invitae indicates that this missense variant is not expected to disrupt HARS protein function with a negative predictive value of 80%. In summary, the available evidence is currently insufficient to determine the role of this variant in disease. Therefore, it has been classified as a Variant of Uncertain Significance.

NM_002109.6(HARS1):c.532A>G (p.Ile178Val)

Gene: HARS1 (histidyl-tRNA synthetase 1; minus strand). Cytogenetic location: 5q31.3.
Variant type: single nucleotide variant.
Coding change: c.532A>G on transcript NM_002109.6 (MANE Select); coding-DNA position 532, A replaced by G.
Protein change: p.Ile178Val; replaces isoleucine 178 with valine.
Molecular consequence: missense variant.
Genome position (GRCh38, 1-based): chr5:140,678,006, T>C on the plus strand (A>G on the coding strand, the complement: HARS1 is on the minus strand). VCF-style: chr5-140678006-T-C. GRCh37 (hg19) VCF-style: chr5-140057591-T-C.
Other names: c.412A>G, p.Ile138Val (NM_001258040.3); c.472A>G, p.Ile158Val (NM_001258041.3); c.352A>G, p.Ile118Val (NM_001258042.3); c.310A>G, p.Ile104Val (NM_001289092.2); c.190A>G, p.Ile64Val (NM_001289093.2); c.445A>G, p.Ile149Val (NM_001289094.2); c.532A>G (NM_002109.5); short protein forms I104V, I118V, I138V, I149V, I158V, I178V, I64V.
Identifiers: ClinVar variation 1054162 (VCV001054162.8), dbSNP rs774329929, ClinGen allele CA3444068.